The following is an entry in ClinVar:

NM_001330311.2(DVL1):c.1080C>T (p.Pro360=)

Gene: DVL1 (dishevelled segment polarity protein 1; minus strand). Cytogenetic location: 1p36.33.
Variant type: single nucleotide variant.
Coding change: c.1080C>T on transcript NM_001330311.2 (MANE Select); coding-DNA position 1080, C replaced by T.
Protein change: p.Pro360=; no amino-acid change (proline 360 retained).
Molecular consequence: synonymous variant.
Genome position (GRCh38, 1-based): chr1:1,339,414, G>A on the plus strand (C>T on the coding strand, the complement: DVL1 is on the minus strand). VCF-style: chr1-1339414-G-A. GRCh37 (hg19) VCF-style: chr1-1274794-G-A.
Other names: c.1080C>T, p.Pro360= (NM_004421.3).
Identifiers: ClinVar variation 732338 (VCV000732338.12), dbSNP rs112772235, ClinGen allele CA520221.

ClinVar aggregate classification (germline): Benign/Likely benign. Review status: criteria provided, multiple submitters, no conflicts (2 of 4 stars). 3 submissions from 3 submitters: Benign (1); Likely benign (1). 1 of the submissions does not count toward it. Last evaluated 2025-06-09.

Conditions:
DVL1-related disorder. Also called: DVL1-related condition.

Allele frequency attached by ClinVar (database versions not stated): gnomAD exomes 0.00010 and 0.00024; ExAC 0.00068; gnomAD 0.00084 and 0.00086; TOPMed 0.00085; ESP Exome Variant Server 0.00104; 1000 Genomes Project 0.00200; 1000 Genomes Project 30x 0.00219.
gnomAD v4.1: 281 of 1,548,954 alleles (0.018%); highest among the groups gnomAD compares: African/African-American, 0.3%; 3 homozygotes.

Submissions (3):

Labcorp Genetics (formerly Invitae), Labcorp
Classification: Benign. Last evaluated: 2025-06-09. Review status: criteria provided, single submitter. Criteria: Invitae Variant Classification Sherloc (09022015). Collection method: clinical testing. Allele origin: germline.

Blueprint Genetics
Classification: Likely benign. Last evaluated: 2024-10-08. Review status: criteria provided, single submitter. Criteria: ACMG Guidelines, 2015. Collection method: clinical testing. Allele origin: germline.

PreventionGenetics, part of Exact Sciences
Classification: Likely benign for DVL1-related condition. Last evaluated: 2024-05-29. Review status: no assertion criteria provided. Collection method: clinical testing. Allele origin: germline. Not counted in ClinVar's aggregate classification.
Comment: This variant is classified as likely benign based on ACMG/AMP sequence variant interpretation guidelines (Richards et al. 2015 PMID: 25741868, with internal and published modifications).